The following is an entry in ClinVar:

ClinVar aggregate classification (germline): Uncertain significance. Review status: criteria provided, multiple submitters, no conflicts (2 of 4 stars). 4 submissions from 4 submitters: Uncertain significance (4). Last evaluated 2026-05-02.

Conditions:
PHOX2B-related disorder. Also called: PHOX2B-related condition.
Haddad syndrome (OHD). Also called: Ondine-Hirschsprung disease. Identifiers: Orphanet 99803, MedGen C1859049, MONDO:0020493.
Hereditary cancer-predisposing syndrome. Also called: Tumor predisposition; Hereditary neoplastic syndrome; Hereditary Cancer Syndrome; Neoplastic Syndromes, Hereditary. Identifiers: Orphanet 140162, MedGen C0027672, MeSH D009386, MONDO:0015356.

Allele frequency attached by ClinVar (database versions not stated): TOPMed below 0.00001.
gnomAD v4.1: 1 of 1,285,242 alleles (0.000078%); highest among the groups gnomAD compares: Non-Finnish European, 0.000098%; no homozygotes.

Submissions (4):

PreventionGenetics, part of Exact Sciences
Classification: Uncertain significance for PHOX2B-related condition. Last evaluated: 2026-05-02. Review status: criteria provided, single submitter. Criteria: ACMG Guidelines, 2015. Collection method: clinical testing. Allele origin: germline.
Comment: The PHOX2B c.775G>A variant is predicted to result in the amino acid substitution p.Ala259Thr. To our knowledge, this variant has not been reported in the literature. This variant is reported in 0.0038% of alleles in individuals of European (Non-Finnish) descent in gnomAD and is interpreted as variant of uncertain significance in ClinVar (Variation ID: 1760487). At this time, the clinical significance of this variant is uncertain due to the absence of conclusive functional and genetic evidence.

Women's Health and Genetics/Laboratory Corporation of America, LabCorp
Classification: Uncertain significance. Last evaluated: 2025-02-03. Review status: criteria provided, single submitter. Criteria: LabCorp Variant Classification Summary - May 2015. Collection method: clinical testing. Allele origin: germline.

Ambry Genetics
Classification: Uncertain significance for Hereditary cancer-predisposing syndrome. Last evaluated: 2024-11-05. Review status: criteria provided, single submitter. Criteria: Ambry Variant Classification Scheme 2023. Collection method: clinical testing. Allele origin: germline.
Comment: The p.A259T variant (also known as c.775G>A), located in coding exon 3 of the PHOX2B gene, results from a G to A substitution at nucleotide position 775. The alanine at codon 259 is replaced by threonine, an amino acid with similar properties. This amino acid position is conserved. In addition, this alteration is predicted to be tolerated by in silico analysis. Since supporting evidence is limited at this time, the clinical significance of this alteration remains unclear.

Labcorp Genetics (formerly Invitae), Labcorp
Classification: Uncertain significance for Haddad syndrome. Last evaluated: 2023-08-17. Review status: criteria provided, single submitter. Criteria: Invitae Variant Classification Sherloc (09022015). Collection method: clinical testing. Allele origin: germline.
Comment: This variant has not been reported in the literature in individuals affected with PHOX2B-related conditions. This variant is present in population databases (rs773873721, gnomAD 0.004%). This sequence change replaces alanine, which is neutral and non-polar, with threonine, which is neutral and polar, at codon 259 of the PHOX2B protein (p.Ala259Thr). ClinVar contains an entry for this variant (Variation ID: 1760487). In summary, the available evidence is currently insufficient to determine the role of this variant in disease. Therefore, it has been classified as a Variant of Uncertain Significance. Experimental studies and prediction algorithms are not available or were not evaluated, and the functional significance of this variant is currently unknown.

NM_003924.4(PHOX2B):c.775G>A (p.Ala259Thr)

Genes: PHOX2B (paired like homeobox 2B; minus strand), LOC110011216 (paired like homeobox 2b polyalanine repeat instability region; plus strand). Cytogenetic location: 4p13.
Variant type: single nucleotide variant.
Coding change: c.775G>A on transcript NM_003924.4 (MANE Select); coding-DNA position 775, G replaced by A.
Protein change: p.Ala259Thr; replaces alanine 259 with threonine.
Molecular consequence: missense variant.
Genome position (GRCh38, 1-based): chr4:41,745,977, C>T on the plus strand (G>A on the coding strand, the complement: PHOX2B is on the minus strand). VCF-style: chr4-41745977-C-T. GRCh37 (hg19) VCF-style: chr4-41747994-C-T.
Other names: short protein forms A259T.
Identifiers: ClinVar variation 1760487 (VCV001760487.10), dbSNP rs773873721, ClinGen allele CA2901426.